The following is an entry in ClinVar:

ClinVar aggregate classification (germline): Uncertain significance. Review status: criteria provided, multiple submitters, no conflicts (2 of 4 stars). 3 submissions from 3 submitters: Uncertain significance (3). Last evaluated 2026-04-16.

Conditions:
Inborn genetic diseases. Identifiers: MedGen C0950123, MeSH D030342.

Allele frequency attached by ClinVar (database versions not stated): ExAC 0.00002; ESP Exome Variant Server 0.00008; gnomAD 0.00010; TOPMed 0.00012; gnomAD exomes 0.00002.
gnomAD v4.1: 40 of 1,613,368 alleles (0.0025%); highest among the groups gnomAD compares: African/African-American, 0.033%; no homozygotes.

Submissions (3):

GeneDx
Classification: Uncertain significance. Last evaluated: 2026-04-16. Review status: criteria provided, single submitter. Criteria: GeneDx Variant Classification Process June 2021. Collection method: clinical testing. Allele origin: germline.
Comment: In silico analysis suggests that this missense variant does not alter protein structure/function; Has not been previously published as pathogenic or benign to our knowledge

Ambry Genetics
Classification: Uncertain significance for Inborn genetic diseases. Last evaluated: 2025-09-05. Review status: criteria provided, single submitter. Criteria: Ambry Variant Classification Scheme 2023. Collection method: clinical testing. Allele origin: germline.

Labcorp Genetics (formerly Invitae), Labcorp
Classification: Uncertain significance. Last evaluated: 2022-07-22. Review status: criteria provided, single submitter. Criteria: Invitae Variant Classification Sherloc (09022015). Collection method: clinical testing. Allele origin: germline.
Comment: This sequence change replaces threonine, which is neutral and polar, with methionine, which is neutral and non-polar, at codon 180 of the CLRN1 protein (p.Thr180Met). This variant is present in population databases (rs377547041, gnomAD 0.02%). This variant has not been reported in the literature in individuals affected with CLRN1-related conditions. Algorithms developed to predict the effect of missense changes on protein structure and function output the following: SIFT: "Tolerated"; PolyPhen-2: "Benign"; Align-GVGD: "Class C0". The methionine amino acid residue is found in multiple mammalian species, which suggests that this missense change does not adversely affect protein function. In summary, the available evidence is currently insufficient to determine the role of this variant in disease. Therefore, it has been classified as a Variant of Uncertain Significance.

NM_174878.3(CLRN1):c.539C>T (p.Thr180Met)

Gene: CLRN1 (clarin 1; minus strand). Cytogenetic location: 3q25.1.
Variant type: single nucleotide variant.
Coding change: c.539C>T on transcript NM_174878.3 (MANE Select); coding-DNA position 539, C replaced by T.
Protein change: p.Thr180Met; replaces threonine 180 with methionine.
Molecular consequence: missense variant. On other transcripts: 3 prime UTR variant (1), non-coding transcript variant (1).
Genome position (GRCh38, 1-based): chr3:150,928,096, G>A on the plus strand (C>T on the coding strand, the complement: CLRN1 is on the minus strand). VCF-style: chr3-150928096-G-A. GRCh37 (hg19) VCF-style: chr3-150645883-G-A.
Other names: c.578C>T, p.Thr193Met (NM_001195794.1); c.*153C>T (NM_001256819.2); c.311C>T, p.Thr104Met (NM_052995.2); short protein forms T180M, T104M, T193M.
Identifiers: ClinVar variation 2159480 (VCV002159480.5), dbSNP rs377547041, ClinGen allele CA2666018.